The following is an entry in ClinVar:

ClinVar aggregate classification (germline): Likely pathogenic (1 of 4 stars; one submission).

Submission:

GeneDx
Classification: Likely pathogenic. Last evaluated: 2024-08-15. Review status: criteria provided, single submitter. Criteria: GeneDx Variant Classification Process June 2021. Collection method: clinical testing. Allele origin: germline. Affected: yes.
Comment: Not observed at significant frequency in large population cohorts (gnomAD); In silico analysis supports that this missense variant has a deleterious effect on protein structure/function; Has not been previously published as pathogenic or benign to our knowledge

NM_003412.4(ZIC1):c.1042G>A (p.Asp348Asn)

Gene: ZIC1 (Zic family member 1; plus strand). Cytogenetic location: 3q24.
Variant type: single nucleotide variant.
Coding change: c.1042G>A on transcript NM_003412.4 (MANE Select); coding-DNA position 1042, G replaced by A.
Protein change: p.Asp348Asn; replaces aspartic acid 348 with asparagine.
Molecular consequence: missense variant.
Genome position (GRCh38, 1-based): chr3:147,412,577, G>A. VCF-style: chr3-147412577-G-A. GRCh37 (hg19) VCF-style: chr3-147130364-G-A.
Other names: short protein forms D348N.
Identifiers: ClinVar variation 3730857 (VCV003730857.1).